The following is an entry in ClinVar:

ClinVar aggregate classification (germline): Uncertain significance (1 of 4 stars; one submission).

Conditions:
Hereditary spastic paraplegia 31. Also called: SPASTIC PARAPLEGIA 31, AUTOSOMAL DOMINANT. Identifiers: Orphanet 101011, MedGen C1853247, MONDO:0012453, OMIM 610250.

Submission:

Labcorp Genetics (formerly Invitae), Labcorp
Classification: Uncertain significance for Hereditary spastic paraplegia 31. Last evaluated: 2022-08-16. Review status: criteria provided, single submitter. Criteria: Invitae Variant Classification Sherloc (09022015). Collection method: clinical testing. Allele origin: germline.
Comment: In summary, the available evidence is currently insufficient to determine the role of this variant in disease. Therefore, it has been classified as a Variant of Uncertain Significance. Variants that disrupt the consensus splice site are a relatively common cause of aberrant splicing (PMID: 17576681, 9536098). Algorithms developed to predict the effect of sequence changes on RNA splicing suggest that this variant may disrupt the consensus splice site. ClinVar contains an entry for this variant (Variation ID: 1463865). This variant has not been reported in the literature in individuals affected with REEP1-related conditions. This variant is not present in population databases (gnomAD no frequency). This sequence change falls in intron 3 of the REEP1 gene. It does not directly change the encoded amino acid sequence of the REEP1 protein. It affects a nucleotide within the consensus splice site.

Literature cited by the submitters: PubMed 17576681; PubMed 9536098.

NM_001371279.1(REEP1):c.182+5G>A

Gene: REEP1 (receptor accessory protein 1; minus strand). Cytogenetic location: 2p11.2.
Variant type: single nucleotide variant.
Coding change: c.182+5G>A on transcript NM_001371279.1 (MANE Select); 5 bases into the intron after coding-DNA position 182, G replaced by A.
Molecular consequence: intron variant.
Genome position (GRCh38, 1-based): chr2:86,263,960, C>T on the plus strand (G>A on the coding strand, the complement: REEP1 is on the minus strand). VCF-style: chr2-86263960-C-T. GRCh37 (hg19) VCF-style: chr2-86491083-C-T.
Other names: c.203+5G>A (NM_001164730.2); c.101+5G>A (NM_001164731.2); c.182+5G>A (NM_001164732.2, NM_001371280.1, NM_022912.3).
Identifiers: ClinVar variation 1463865 (VCV001463865.6), dbSNP rs766166355, ClinGen allele CA2573135985.